The following is an entry in ClinVar:

NM_052947.4(ALPK2):c.946_951del (p.Leu316_Thr317del)

Genes: ALPK2 (alpha kinase 2; minus strand), LOC114803473 (ALPK2 eExon liver enhancer; plus strand). Cytogenetic location: 18q21.31.
Variant type: Deletion.
Coding change: c.946_951del on transcript NM_052947.4 (MANE Select); coding-DNA positions 946 to 951, 6 bases deleted (CTAACC; older notation c.946_951delCTAACC).
Protein change: p.Leu316_Thr317del.
Genome position (GRCh38, 1-based): chr18:58,579,825-58,579,830, GGTTAG deleted on the plus strand (CTAACC on the coding strand, the reverse complement: ALPK2 is on the minus strand); deleting any 6 consecutive bases within chr18:58,579,825-58,579,835 gives the same sequence; the c. name uses the placement nearest the transcript's 3' end. VCF-style (leftmost placement, unchanged base first): chr18-58579824-AGGTTAG-A. GRCh37 (hg19) VCF-style: chr18-56247056-AGGTTAG-A.
Identifiers: ClinVar variation 3045662 (VCV003045662.2), dbSNP rs570670198, ClinGen allele CA8977355.
Genomic context (GRCh38, chr18:58,579,824, plus strand): 5'-CCGTCATAACATCAGAACATTCCAGATACTCCAGGTCATCATCTGAAAACTCCTCGGTGT[AGGTTAG>A]GGTTATCTCTGGGCAAAGTTCATAGTCACTGTCAGAGTCTTCACTGGAAAGCTGTGGGCT-3'

ClinVar aggregate classification (germline): Likely benign (0 of 4 stars; one submission).

Conditions:
ALPK2-related disorder. Also called: ALPK2-related condition.

Submission:

PreventionGenetics, part of Exact Sciences
Classification: Likely benign for ALPK2-related condition. Last evaluated: 2019-10-07. Review status: no assertion criteria provided. Collection method: clinical testing. Allele origin: germline.
Comment: This variant is classified as likely benign based on ACMG/AMP sequence variant interpretation guidelines (Richards et al. 2015 PMID: 25741868, with internal and published modifications).